The following is an entry in ClinVar:

NM_024675.4(PALB2):c.1537A>G (p.Thr513Ala)

Gene: PALB2 (partner and localizer of BRCA2; minus strand). Cytogenetic location: 16p12.2.
Variant type: single nucleotide variant.
Coding change: c.1537A>G on transcript NM_024675.4 (MANE Select); coding-DNA position 1537, A replaced by G.
Protein change: p.Thr513Ala; replaces threonine 513 with alanine.
Molecular consequence: missense variant.
Genome position (GRCh38, 1-based): chr16:23,635,009, T>C on the plus strand (A>G on the coding strand, the complement: PALB2 is on the minus strand). VCF-style: chr16-23635009-T-C. GRCh37 (hg19) VCF-style: chr16-23646330-T-C.
Other names: short protein forms T513A.
Identifiers: ClinVar variation 410118 (VCV000410118.27), dbSNP rs1060502741, ClinGen allele CA16614855.

ClinVar aggregate classification (germline): Conflicting classifications of pathogenicity. Review status: criteria provided, conflicting classifications (1 of 4 stars). 7 submissions from 7 submitters: Uncertain significance (5); Likely benign (1). 1 of the submissions does not count toward it. Last evaluated 2025-11-04.

Conditions:
Hereditary cancer-predisposing syndrome. Also called: Hereditary neoplastic syndrome; Hereditary Cancer Syndrome; Tumor predisposition; Neoplastic Syndromes, Hereditary. Identifiers: Orphanet 140162, MedGen C0027672, MeSH D009386, MONDO:0015356.
Familial cancer of breast. Also called: BREAST CANCER, FAMILIAL; Hereditary breast cancer; hereditary breast carcinoma. Identifiers: Orphanet 227535, MedGen C0346153, MONDO:0016419, OMIM 114480. Disease mechanism: loss of function.
Fanconi anemia complementation group N. Also called: PALB2-Related Fanconi Anemia. Identifiers: Orphanet 84, MedGen C1835817, MONDO:0012565, OMIM 610832. Disease mechanism: loss of function.
Pancreatic cancer, susceptibility to, 3. Identifiers: Orphanet 1333, MedGen C3150547, MONDO:0013236, OMIM 613348.
Carcinoma of colon (CRC). Also called: Colon carcinoma; Colonic carcinoma. Identifiers: MedGen C0699790, MONDO:0002032.

gnomAD v4.1: 7 of 1,614,200 alleles (0.00043%); highest among the groups gnomAD compares: Non-Finnish European, 0.00059%; no homozygotes.

Submissions (7):

Labcorp Genetics (formerly Invitae), Labcorp
Classification: Uncertain significance for Familial cancer of breast. Last evaluated: 2025-11-04. Review status: criteria provided, single submitter. Criteria: Invitae Variant Classification Sherloc (09022015). Collection method: clinical testing. Allele origin: germline.
Comment: This sequence change replaces threonine, which is neutral and polar, with alanine, which is neutral and non-polar, at codon 513 of the PALB2 protein (p.Thr513Ala). This variant is not present in population databases (gnomAD no frequency). This missense change has been observed in individual(s) with breast cancer or colorectal cancer (PMID: 28944238, 34326862). ClinVar contains an entry for this variant (Variation ID: 410118). Invitae Evidence Modeling of protein sequence and biophysical properties (such as structural, functional, and spatial information, amino acid conservation, physicochemical variation, residue mobility, and thermodynamic stability) indicates that this missense variant is not expected to disrupt PALB2 protein function with a negative predictive value of 80%. In summary, the available evidence is currently insufficient to determine the role of this variant in disease. Therefore, it has been classified as a Variant of Uncertain Significance.

Ambry Genetics
Classification: Likely benign for Hereditary cancer-predisposing syndrome. Last evaluated: 2024-03-21. Review status: criteria provided, single submitter. Criteria: Ambry Variant Classification Scheme 2023. Collection method: clinical testing. Allele origin: germline.

GeneDx
Classification: Uncertain significance. Last evaluated: 2023-09-18. Review status: criteria provided, single submitter. Criteria: GeneDx Variant Classification Process June 2021. Collection method: clinical testing. Allele origin: germline. Affected: yes.
Comment: Not observed in large population cohorts (gnomAD); In silico analysis supports that this missense variant does not alter protein structure/function; Observed in individual(s) with colorectal cancer (DeRycke et al., 2017); This variant is associated with the following publications: (PMID: 28944238, 26315354)

Color Diagnostics, LLC DBA Color Health
Classification: Uncertain significance for Hereditary cancer-predisposing syndrome. Last evaluated: 2021-11-18. Review status: criteria provided, single submitter. Criteria: ACMG Guidelines, 2015. Collection method: clinical testing. Allele origin: germline.
Comment: This missense variant replaces threonine with alanine at codon 513 of the PALB2 protein. Computational prediction suggests that this variant may not impact protein structure and function (internally defined REVEL score threshold <= 0.5, PMID: 27666373). To our knowledge, functional studies have not been reported for this variant. This variant has been reported in individuals affected with colorectal cancer in the literature (PMID: 28944238). This variant has not been identified in the general population by the Genome Aggregation Database (gnomAD). The available evidence is insufficient to determine the role of this variant in disease conclusively. Therefore, this variant is classified as a Variant of Uncertain Significance.

Fulgent Genetics
Classification: Uncertain significance for Familial cancer of breast; Fanconi anemia complementation group N; Pancreatic cancer, susceptibility to, 3. Last evaluated: 2021-09-01. Review status: criteria provided, single submitter. Criteria: ACMG Guidelines, 2015. Collection method: clinical testing. Allele origin: unknown.

Women's Health and Genetics/Laboratory Corporation of America, LabCorp
Classification: Uncertain significance. Last evaluated: 2016-05-03. Review status: criteria provided, single submitter. Criteria: LabCorp Variant Classification Summary - May 2015. Collection method: clinical testing. Allele origin: germline.
Comment: Variant summary: The c.1537A>G variant affects a non-conserved nucleotide, resulting in amino acid change from Thr to Ala. 3/4 in-silico tools predict this variant to be benign (SNPs&GO not captured due to low reliability index). This variant is found in 1/128274 control chromosomes at a frequency of 0.0000078, which does not exceed estimated maximal expected frequency of a pathogenic allele (0.0001563). The variant of interest has not, to our knowledge, been reported in affected individuals via publications and/or reputable databases/clinical laboratories; nor evaluated for functional impact by in vivo/vitro studies. Because of the absence of clinical information and the lack of functional studies, the variant was classified as a variant of uncertain significance (VUS) until additional information becomes available.

Leiden Open Variation Database
Classification: Uncertain significance for Colorectal cancer. Last evaluated: 2017-01-31. Review status: no assertion criteria provided. Collection method: curation. Allele origin: germline. Affected: yes. Not counted in ClinVar's aggregate classification.
Comment: Curators: Marc Tischkowitz, Arleen D. Auerbach. Submitter to LOVD: Melissa DeRycke.

Literature cited by the submitters: PubMed 28944238 (cited by Labcorp Genetics (formerly Invitae), Labcorp and Color Diagnostics, LLC DBA Color Health); PubMed 34326862 (cited by Labcorp Genetics (formerly Invitae), Labcorp); PubMed 26315354 (cited by Women's Health and Genetics/Laboratory Corporation of America, LabCorp).